The following is an entry in ClinVar:

NM_001318895.3(FHL2):c.274T>C (p.Cys92Arg)

Genes: FHL2 (four and a half LIM domains 2; minus strand), C2orf49 (chromosome 2 open reading frame 49; plus strand). Cytogenetic location: 2q12.2.
Variant type: single nucleotide variant.
Coding change: c.274T>C on transcript NM_001318895.3 (MANE Select); coding-DNA position 274, T replaced by C.
Protein change: p.Cys92Arg; replaces cysteine 92 with arginine.
Molecular consequence: missense variant. On other transcripts: 5 prime UTR variant (1), intron variant (2).
Genome position (GRCh38, 1-based): chr2:105,373,616, A>G on the plus strand (T>C on the coding strand, the complement: FHL2 is on the minus strand). VCF-style: chr2-105373616-A-G. GRCh37 (hg19) VCF-style: chr2-105990073-A-G.
Other names: c.274T>C, p.Cys92Arg (NM_001039492.3, NM_001318894.1, NM_001318896.2 and 4 more transcripts); c.-51T>C (NM_001318899.2); c.-11-5877T>C (NM_001318897.2, NM_001318898.2); short protein forms C92R.
Identifiers: ClinVar variation 653636 (VCV000653636.6), dbSNP rs149138019, ClinGen allele CA53357234.

ClinVar aggregate classification (germline): Uncertain significance (1 of 4 stars; one submission).

Conditions:
Primary dilated cardiomyopathy (DCM). Also called: Dilated Cardiomyopathy. Identifiers: Orphanet 217604, MedGen C0007193, MeSH D002311, MONDO:0005021, HP:0001644. Inheritance: Various modes of inheritance.

Allele frequency attached by ClinVar (database versions not stated): gnomAD 0.00002; gnomAD exomes 0.00002 and 0.00004; TOPMed 0.00003; ESP Exome Variant Server 0.00008.
gnomAD v4.1: 63 of 1,614,094 alleles (0.0039%); highest among the groups gnomAD compares: Non-Finnish European, 0.0052%; no homozygotes.

Submission:

Labcorp Genetics (formerly Invitae), Labcorp
Classification: Uncertain significance for Primary dilated cardiomyopathy. Last evaluated: 2025-03-17. Review status: criteria provided, single submitter. Criteria: Invitae Variant Classification Sherloc (09022015). Collection method: clinical testing. Allele origin: germline.
Comment: This sequence change replaces cysteine, which is neutral and slightly polar, with arginine, which is basic and polar, at codon 92 of the FHL2 protein (p.Cys92Arg). This variant is present in population databases (rs149138019, gnomAD 0.004%). This variant has not been reported in the literature in individuals affected with FHL2-related conditions. ClinVar contains an entry for this variant (Variation ID: 653636). Invitae Evidence Modeling of protein sequence and biophysical properties (such as structural, functional, and spatial information, amino acid conservation, physicochemical variation, residue mobility, and thermodynamic stability) indicates that this missense variant is not expected to disrupt FHL2 protein function with a negative predictive value of 80%. In summary, the available evidence is currently insufficient to determine the role of this variant in disease. Therefore, it has been classified as a Variant of Uncertain Significance.